The following is an entry in ClinVar:

NM_020719.3(PRR12):c.3165C>T (p.Pro1055=)

Gene: PRR12 (proline rich 12; plus strand). Cytogenetic location: 19q13.33.
Variant type: single nucleotide variant.
Coding change: c.3165C>T on transcript NM_020719.3 (MANE Select); coding-DNA position 3165, C replaced by T.
Protein change: p.Pro1055=; no amino-acid change (proline 1055 retained).
Molecular consequence: synonymous variant.
Genome position (GRCh38, 1-based): chr19:49,597,500, C>T. VCF-style: chr19-49597500-C-T. GRCh37 (hg19) VCF-style: chr19-50100757-C-T.
Identifiers: ClinVar variation 4822014 (VCV004822014.4).

ClinVar aggregate classification (germline): Likely benign (1 of 4 stars; one submission).

Submission:

CeGaT Center for Human Genetics Tuebingen
Classification: Likely benign. Last evaluated: 2026-03-01. Review status: criteria provided, single submitter. Criteria: CeGaT Center For Human Genetics Tuebingen Variant Classification Criteria Version 2. Collection method: clinical testing. Allele origin: germline. Affected: yes. Observed: 1 variant allele.
Comment: PRR12: BP4, BS1